The following is an entry in ClinVar:

NM_152564.5(VPS13B):c.2964G>A (p.Met988Ile)

Gene: VPS13B (vacuolar protein sorting 13 homolog B; plus strand). Cytogenetic location: 8q22.2.
Variant type: single nucleotide variant.
Coding change: c.2964G>A on transcript NM_152564.5 (MANE Select); coding-DNA position 2964, G replaced by A.
Protein change: p.Met988Ile; replaces methionine 988 with isoleucine.
Molecular consequence: missense variant.
Genome position (GRCh38, 1-based): chr8:99,391,586, G>A. VCF-style: chr8-99391586-G-A. GRCh37 (hg19) VCF-style: chr8-100403814-G-A.
Other names: c.2964G>A, p.Met988Ile (NM_017890.5); short protein forms M988I.
Identifiers: ClinVar variation 3371354 (VCV003371354.1).

ClinVar aggregate classification (germline): Uncertain significance (1 of 4 stars; one submission).

Submission:

GeneDx
Classification: Uncertain significance. Last evaluated: 2024-03-21. Review status: criteria provided, single submitter. Criteria: GeneDx Variant Classification Process June 2021. Collection method: clinical testing. Allele origin: germline. Affected: yes.
Comment: Not observed at significant frequency in large population cohorts (gnomAD); In silico analysis supports that this missense variant does not alter protein structure/function; Has not been previously published as pathogenic or benign to our knowledge